The following is an entry in ClinVar:

NM_019032.6(ADAMTSL4):c.385G>A (p.Ala129Thr)

Genes: ADAMTSL4 (ADAMTS like 4; plus strand), ADAMTSL4-AS2 (ADAMTSL4 antisense RNA 2; minus strand). Cytogenetic location: 1q21.2.
Variant type: single nucleotide variant.
Coding change: c.385G>A on transcript NM_019032.6 (MANE Select); coding-DNA position 385, G replaced by A.
Protein change: p.Ala129Thr; replaces alanine 129 with threonine.
Molecular consequence: missense variant.
Genome position (GRCh38, 1-based): chr1:150,553,204, G>A. VCF-style: chr1-150553204-G-A. GRCh37 (hg19) VCF-style: chr1-150525680-G-A.
Other names: c.385G>A, p.Ala129Thr (NM_001288607.2, NM_001288608.2, NM_001378596.1 and 1 more transcripts); short protein forms A129T.
Identifiers: ClinVar variation 2161753 (VCV002161753.1), dbSNP rs777463641, ClinGen allele CA1077938.

ClinVar aggregate classification (germline): Uncertain significance (1 of 4 stars; one submission).

Allele frequency attached by ClinVar (database versions not stated): ExAC 0.00002; gnomAD exomes 0.00002; gnomAD 0.00003; TOPMed 0.00003.

Submission:

Labcorp Genetics (formerly Invitae), Labcorp
Classification: Uncertain significance. Last evaluated: 2022-06-15. Review status: criteria provided, single submitter. Criteria: Invitae Variant Classification Sherloc (09022015). Collection method: clinical testing. Allele origin: germline.
Comment: This sequence change replaces alanine, which is neutral and non-polar, with threonine, which is neutral and polar, at codon 129 of the ADAMTSL4 protein (p.Ala129Thr). This variant is present in population databases (rs777463641, gnomAD 0.004%). This variant has not been reported in the literature in individuals affected with ADAMTSL4-related conditions. Algorithms developed to predict the effect of missense changes on protein structure and function output the following: SIFT: "Tolerated"; PolyPhen-2: "Benign"; Align-GVGD: "Class C0". The threonine amino acid residue is found in multiple mammalian species, which suggests that this missense change does not adversely affect protein function. In summary, the available evidence is currently insufficient to determine the role of this variant in disease. Therefore, it has been classified as a Variant of Uncertain Significance.